The following is an entry in ClinVar:

ClinVar aggregate classification (germline): Uncertain significance (1 of 4 stars; one submission).

Conditions:
Hereditary cancer-predisposing syndrome. Also called: Neoplastic Syndromes, Hereditary; Tumor predisposition; Hereditary Cancer Syndrome; Hereditary neoplastic syndrome. Identifiers: Orphanet 140162, MedGen C0027672, MeSH D009386, MONDO:0015356.

Submission:

Ambry Genetics
Classification: Uncertain significance for Hereditary cancer-predisposing syndrome. Last evaluated: 2026-01-29. Review status: criteria provided, single submitter. Criteria: Ambry Variant Classification Scheme 2023. Collection method: clinical testing. Allele origin: germline.
Comment: The p.E24Q variant (also known as c.70G>C), located in coding exon 1 of the SMARCB1 gene, results from a G to C substitution at nucleotide position 70. The glutamic acid at codon 24 is replaced by glutamine, an amino acid with highly similar properties. This amino acid position is not well conserved in available vertebrate species. In addition, the in silico prediction for this alteration is inconclusive. Based on the available evidence, the clinical significance of this variant remains unclear.

NM_003073.5(SMARCB1):c.70G>C (p.Glu24Gln)

Gene: SMARCB1 (SWI/SNF related BAF chromatin remodeling complex subunit B1; plus strand). Cytogenetic location: 22q11.23.
Variant type: single nucleotide variant.
Coding change: c.70G>C on transcript NM_003073.5 (MANE Select); coding-DNA position 70, G replaced by C.
Protein change: p.Glu24Gln; replaces glutamic acid 24 with glutamine.
Molecular consequence: missense variant.
Genome position (GRCh38, 1-based): chr22:23,787,239, G>C. VCF-style: chr22-23787239-G-C. GRCh37 (hg19) VCF-style: chr22-24129426-G-C.
Other names: c.70G>C, p.Glu24Gln (NM_001007468.3, NM_001317946.2, NM_001362877.2); short protein forms E24Q.
Identifiers: ClinVar variation 4824949 (VCV004824949.1).